The following is an entry in ClinVar:

ClinVar aggregate classification (germline): Uncertain significance (1 of 4 stars; one submission).

Submission:

GeneDx
Classification: Uncertain significance. Last evaluated: 2026-03-05. Review status: criteria provided, single submitter. Criteria: GeneDx Variant Classification Process June 2021. Collection method: clinical testing. Allele origin: germline.
Comment: Not observed at significant frequency in large population cohorts (gnomAD); In silico analysis supports that this missense variant has a deleterious effect on protein structure/function; Has not been previously published as pathogenic or benign to our knowledge

NM_016417.3(GLRX5):c.179G>A (p.Gly60Glu)

Gene: GLRX5 (glutaredoxin 5; plus strand). Cytogenetic location: 14q32.13.
Variant type: single nucleotide variant.
Coding change: c.179G>A on transcript NM_016417.3 (MANE Select); coding-DNA position 179, G replaced by A.
Protein change: p.Gly60Glu; replaces glycine 60 with glutamic acid.
Molecular consequence: missense variant.
Genome position (GRCh38, 1-based): chr14:95,535,268, G>A. VCF-style: chr14-95535268-G-A. GRCh37 (hg19) VCF-style: chr14-96001605-G-A.
Other names: short protein forms G60E.
Identifiers: ClinVar variation 5008273 (VCV005008273.1).